The following is an entry in ClinVar:

NM_021813.4(BACH2):c.869C>G (p.Thr290Arg)

Gene: BACH2 (BACH transcriptional regulator 2; minus strand). Cytogenetic location: 6q15.
Variant type: single nucleotide variant.
Coding change: c.869C>G on transcript NM_021813.4 (MANE Select); coding-DNA position 869, C replaced by G.
Protein change: p.Thr290Arg; replaces threonine 290 with arginine.
Molecular consequence: missense variant.
Genome position (GRCh38, 1-based): chr6:89,951,237, G>C on the plus strand (C>G on the coding strand, the complement: BACH2 is on the minus strand). VCF-style: chr6-89951237-G-C. GRCh37 (hg19) VCF-style: chr6-90660956-G-C.
Other names: c.869C>G, p.Thr290Arg (NM_001170794.2); short protein forms T290R.
Identifiers: ClinVar variation 4774130 (VCV004774130.1).

ClinVar aggregate classification (germline): Uncertain significance (1 of 4 stars; one submission).

gnomAD v4.1: 1 of 1,614,096 alleles (0.000062%); highest among the groups gnomAD compares: African/African-American, 0.0013%; no homozygotes.

Submission:

Labcorp Genetics (formerly Invitae), Labcorp
Classification: Uncertain significance. Last evaluated: 2025-07-28. Review status: criteria provided, single submitter. Criteria: Invitae Variant Classification Sherloc (09022015). Collection method: clinical testing. Allele origin: germline.
Comment: This sequence change replaces threonine, which is neutral and polar, with arginine, which is basic and polar, at codon 290 of the BACH2 protein (p.Thr290Arg). This variant is present in population databases (no rsID available, gnomAD 0.007%). This variant has not been reported in the literature in individuals affected with BACH2-related conditions. Invitae Evidence Modeling of protein sequence and biophysical properties (such as structural, functional, and spatial information, amino acid conservation, physicochemical variation, residue mobility, and thermodynamic stability) indicates that this missense variant is not expected to disrupt BACH2 protein function with a negative predictive value of 80%. In summary, the available evidence is currently insufficient to determine the role of this variant in disease. Therefore, it has been classified as a Variant of Uncertain Significance.